The following is an entry in ClinVar:

ClinVar aggregate classification (germline): Conflicting classifications of pathogenicity. Review status: criteria provided, conflicting classifications (1 of 4 stars). 3 submissions from 3 submitters: Uncertain significance (2); Likely benign (1). Last evaluated 2025-10-23.

Conditions:
Inborn genetic diseases. Identifiers: MedGen C0950123, MeSH D030342.

Allele frequency attached by ClinVar (database versions not stated): gnomAD 0.00001; ExAC 0.00002; TOPMed 0.00002; gnomAD exomes 0.00003; ESP Exome Variant Server 0.00008.
gnomAD v4.1: 51 of 1,610,430 alleles (0.0032%); highest among the groups gnomAD compares: Middle Eastern, 0.033%; no homozygotes.

Submissions (3):

Labcorp Genetics (formerly Invitae), Labcorp
Classification: Likely benign. Last evaluated: 2025-10-23. Review status: criteria provided, single submitter. Criteria: Invitae Variant Classification Sherloc (09022015). Collection method: clinical testing. Allele origin: germline.

Ambry Genetics
Classification: Uncertain significance for Inborn genetic diseases. Last evaluated: 2024-01-16. Review status: criteria provided, single submitter. Criteria: Ambry Variant Classification Scheme 2023. Collection method: clinical testing. Allele origin: germline.

CeGaT Center for Human Genetics Tuebingen
Classification: Uncertain significance. Last evaluated: 2022-03-01. Review status: criteria provided, single submitter. Criteria: CeGaT Center For Human Genetics Tuebingen Variant Classification Criteria Version 2. Collection method: clinical testing. Allele origin: germline. Affected: yes. Observed: 1 variant allele.
Comment: SPTBN2: PM2, BP4

NM_006946.4(SPTBN2):c.3037G>A (p.Ala1013Thr)

Gene: SPTBN2 (spectrin beta, non-erythrocytic 2; minus strand). Cytogenetic location: 11q13.2.
Variant type: single nucleotide variant.
Coding change: c.3037G>A on transcript NM_006946.4 (MANE Select); coding-DNA position 3037, G replaced by A.
Protein change: p.Ala1013Thr; replaces alanine 1013 with threonine.
Molecular consequence: missense variant.
Genome position (GRCh38, 1-based): chr11:66,701,062, C>T on the plus strand (G>A on the coding strand, the complement: SPTBN2 is on the minus strand). VCF-style: chr11-66701062-C-T. GRCh37 (hg19) VCF-style: chr11-66468533-C-T.
Other names: c.3037G>A (NM_006946.2); short protein forms A1013T.
Identifiers: ClinVar variation 1448286 (VCV001448286.39), dbSNP rs148016656, ClinGen allele CA6128952.